The following is an entry in ClinVar:

ClinVar aggregate classification (germline): Likely benign (0 of 4 stars; one submission).

Conditions:
PDZD2-related disorder. Also called: PDZD2-related condition.

Allele frequency attached by ClinVar (database versions not stated): ESP Exome Variant Server 0.00015; 1000 Genomes Project 30x 0.00016; 1000 Genomes Project 0.00020; ExAC 0.00021; gnomAD 0.00023; TOPMed 0.00032.
gnomAD v4.1: 369 of 1,614,006 alleles (0.023%); highest among the groups gnomAD compares: Middle Eastern, 0.12%; 1 homozygote.

Submission:

PreventionGenetics, part of Exact Sciences
Classification: Likely benign for PDZD2-related condition. Last evaluated: 2019-09-30. Review status: no assertion criteria provided. Collection method: clinical testing. Allele origin: germline.
Comment: This variant is classified as likely benign based on ACMG/AMP sequence variant interpretation guidelines (Richards et al. 2015 PMID: 25741868, with internal and published modifications).

NM_178140.4(PDZD2):c.5040G>A (p.Ala1680=)

Gene: PDZD2 (PDZ domain containing 2; plus strand). Cytogenetic location: 5p13.3.
Variant type: single nucleotide variant.
Coding change: c.5040G>A on transcript NM_178140.4 (MANE Select); coding-DNA position 5040, G replaced by A.
Protein change: p.Ala1680=; no amino-acid change (alanine 1680 retained).
Molecular consequence: synonymous variant.
Genome position (GRCh38, 1-based): chr5:32,088,488, G>A. VCF-style: chr5-32088488-G-A. GRCh37 (hg19) VCF-style: chr5-32088594-G-A.
Identifiers: ClinVar variation 3041032 (VCV003041032.2), dbSNP rs148801025, ClinGen allele CA3219841.